The following is an entry in ClinVar:

NM_020800.3(IFT80):c.1102A>G (p.Ile368Val)

Genes: TRIM59-IFT80 (TRIM59-IFT80 readthrough (NMD candidate); minus strand), IFT80 (intraflagellar transport 80; minus strand). Cytogenetic location: 3q25.33.
Variant type: single nucleotide variant.
Coding change: c.1102A>G on transcript NM_020800.3 (MANE Select); coding-DNA position 1102, A replaced by G.
Protein change: p.Ile368Val; replaces isoleucine 368 with valine.
Molecular consequence: missense variant. On other transcripts: non-coding transcript variant (3).
Genome position (GRCh38, 1-based): chr3:160,303,964, T>C on the plus strand (A>G on the coding strand, the complement: IFT80 is on the minus strand). VCF-style: chr3-160303964-T-C. GRCh37 (hg19) VCF-style: chr3-160021752-T-C.
Other names: c.691A>G, p.Ile231Val (NM_001190241.2, NM_001190242.2); c.1102A>G (NM_020800.2); short protein forms I231V, I368V.
Identifiers: ClinVar variation 2414365 (VCV002414365.4), dbSNP rs377753000, ClinGen allele CA86558840.
Genomic context (GRCh38, chr3:160,303,964, plus strand): 5'-TAATAAATTACCTTTCTGCCTGCAGAATCAAACTAACAGTTCCTTCTTTGAGATCAAATA[T>C]AATTGGTGTGTTCCAGTTCTTCGTGCTAAAAGACAAGTAAAATGGATATTTATTAACATT-3'
Protein context (NP_065851.1, residues 358-378): FSTKNWNTPI[Ile368Val]FDLKEGTVSL

ClinVar aggregate classification (germline): Uncertain significance. Review status: criteria provided, multiple submitters, no conflicts (2 of 4 stars). 2 submissions from 2 submitters: Uncertain significance (2). Last evaluated 2025-01-24.

Conditions:
Inborn genetic diseases. Identifiers: MedGen C0950123, MeSH D030342.
Jeune thoracic dystrophy. Also called: Jeune syndrome; Infantile thoracic dystrophy; Thoracic pelvic phalangeal dystrophy; Jeune's syndrome; Chondroectodermal dysplasia-like syndrome; Short-rib thoracic dysplasia. Identifiers: Orphanet 474, MedGen C0265275, MONDO:0018770.

Allele frequency attached by ClinVar (database versions not stated): TOPMed below 0.00001; gnomAD 0.00001; ESP Exome Variant Server 0.00008.
gnomAD v4.1: 38 of 1,611,118 alleles (0.0024%); highest among the groups gnomAD compares: Non-Finnish European, 0.0031%; no homozygotes.

Submissions (2):

Ambry Genetics
Classification: Uncertain significance for Inborn genetic diseases. Last evaluated: 2025-01-24. Review status: criteria provided, single submitter. Criteria: Ambry Variant Classification Scheme 2023. Collection method: clinical testing. Allele origin: germline.

Labcorp Genetics (formerly Invitae), Labcorp
Classification: Uncertain significance for Jeune thoracic dystrophy. Last evaluated: 2022-03-18. Review status: criteria provided, single submitter. Criteria: Invitae Variant Classification Sherloc (09022015). Collection method: clinical testing. Allele origin: germline.
Comment: This sequence change replaces isoleucine, which is neutral and non-polar, with valine, which is neutral and non-polar, at codon 368 of the IFT80 protein (p.Ile368Val). This variant is present in population databases (rs377753000, gnomAD 0.002%). This variant has not been reported in the literature in individuals affected with IFT80-related conditions. Algorithms developed to predict the effect of missense changes on protein structure and function (SIFT, PolyPhen-2, Align-GVGD) all suggest that this variant is likely to be tolerated. In summary, the available evidence is currently insufficient to determine the role of this variant in disease. Therefore, it has been classified as a Variant of Uncertain Significance.